The following is an entry in ClinVar:

NM_004320.6(ATP2A1):c.1156G>A (p.Gly386Ser)

Gene: ATP2A1 (ATPase sarcoplasmic/endoplasmic reticulum Ca2+ transporting 1; plus strand). Cytogenetic location: 16p11.2.
Variant type: single nucleotide variant.
Coding change: c.1156G>A on transcript NM_004320.6 (MANE Select); coding-DNA position 1156, G replaced by A.
Protein change: p.Gly386Ser; replaces glycine 386 with serine.
Molecular consequence: missense variant.
Genome position (GRCh38, 1-based): chr16:28,894,215, G>A. VCF-style: chr16-28894215-G-A. GRCh37 (hg19) VCF-style: chr16-28905536-G-A.
Other names: c.781G>A, p.Gly261Ser (NM_001286075.2); c.1156G>A, p.Gly386Ser (NM_173201.5); short protein forms G261S, G386S.
Identifiers: ClinVar variation 1315035 (VCV001315035.2), dbSNP rs1184952683, ClinGen allele CA395406890.

ClinVar aggregate classification (germline): Uncertain significance (1 of 4 stars; one submission).

Allele frequency attached by ClinVar (database versions not stated): gnomAD exomes below 0.00001; TOPMed below 0.00001.
gnomAD v4.1: 6 of 1,613,994 alleles (0.00037%); highest among the groups gnomAD compares: East Asian, 0.0022%; no homozygotes.

Submission:

GeneDx
Classification: Uncertain significance. Last evaluated: 2020-01-27. Review status: criteria provided, single submitter. Criteria: GeneDx Variant Classification Process June 2021. Collection method: clinical testing. Allele origin: germline. Affected: yes.
Comment: In silico analysis supports that this missense variant has a deleterious effect on protein structure/function; Has not been previously published as pathogenic or benign to our knowledge